The following is an entry in ClinVar:

NM_000492.4(CFTR):c.3140-32T>C

Genes: CFTR (CF transmembrane conductance regulator; plus strand), CFTR-AS2 (CFTR antisense RNA 2; minus strand), LOC111674472 (DNase I hypersensitive sites in introns 16 and 17a of CFTR; plus strand). Cytogenetic location: 7q31.2.
Variant type: single nucleotide variant.
Coding change: c.3140-32T>C on transcript NM_000492.4 (MANE Select); 32 bases into the intron before coding-DNA position 3140, T replaced by C.
Molecular consequence: intron variant.
Genome position (GRCh38, 1-based): chr7:117,611,549, T>C. VCF-style: chr7-117611549-T-C. GRCh37 (hg19) VCF-style: chr7-117251603-T-C.
Other names: c.3140-32T>C (NM_000492.3).
Identifiers: ClinVar variation 4897589 (VCV004897589.2).

ClinVar aggregate classification (germline): Likely benign. Review status: criteria provided, multiple submitters, no conflicts (2 of 4 stars). 2 submissions from 2 submitters: Likely benign (2). Last evaluated 2025-04-11.

Conditions:
CFTR-related disorder (CFTR-RD). Also called: CFTR-related condition; CFTR-related disorders. Identifiers: MedGen C5924204, MONDO:7770004.

gnomAD v4.1: 49 of 1,233,920 alleles (0.004%); highest among the groups gnomAD compares: African/African-American, 0.05%; no homozygotes.

Submissions (2):

PreventionGenetics, part of Exact Sciences
Classification: Likely benign for CFTR-related condition. Last evaluated: 2025-04-11. Review status: criteria provided, single submitter. Criteria: ACMG Guidelines, 2015. Collection method: clinical testing. Allele origin: germline.
Comment: This variant is classified as likely benign based on ACMG/AMP sequence variant interpretation guidelines (Richards et al. 2015 PMID: 25741868, with internal and published modifications).

Blueprint Genetics
Classification: Likely benign. Last evaluated: 2024-07-30. Review status: criteria provided, single submitter. Criteria: ACMG Guidelines, 2015. Collection method: clinical testing. Allele origin: germline.